The following is an entry in ClinVar:

ClinVar aggregate classification (germline): Uncertain significance (1 of 4 stars; one submission).

Conditions:
Cardiomyopathy (CMYO). Also called: Cardiomyopathies. Identifiers: Orphanet 167848, MedGen C0878544, MONDO:0004994, HP:0001638. Inheritance: Various modes of inheritance.

Allele frequency attached by ClinVar (database versions not stated): gnomAD exomes below 0.00001.
gnomAD v4.1: 1 of 1,614,176 alleles (0.000062%); highest among the groups gnomAD compares: Non-Finnish European, 0.000085%; no homozygotes.

Submission:

Color Diagnostics, LLC DBA Color Health
Classification: Uncertain significance for Cardiomyopathy. Last evaluated: 2023-12-21. Review status: criteria provided, single submitter. Criteria: ACMG Guidelines, 2015. Collection method: clinical testing. Allele origin: germline.
Comment: This missense variant replaces threonine with alanine at codon 68 of the MYH7 protein. Computational prediction tools indicate that this variant's impact on protein structure and function is inconclusive. To our knowledge, functional studies have not been reported for this variant. This variant has not been reported in individuals affected with MYH7-related disorders in the literature. This variant has not been identified in the general population by the Genome Aggregation Database (gnomAD). The available evidence is insufficient to determine the role of this variant in disease conclusively. Therefore, this variant is classified as a Variant of Uncertain Significance.

NM_000257.4(MYH7):c.202A>G (p.Thr68Ala)

Gene: MYH7 (myosin heavy chain 7; minus strand). Cytogenetic location: 14q11.2.
Variant type: single nucleotide variant.
Coding change: c.202A>G on transcript NM_000257.4 (MANE Select); coding-DNA position 202, A replaced by G.
Protein change: p.Thr68Ala; replaces threonine 68 with alanine.
Molecular consequence: missense variant.
Genome position (GRCh38, 1-based): chr14:23,433,227, T>C on the plus strand (A>G on the coding strand, the complement: MYH7 is on the minus strand). VCF-style: chr14-23433227-T-C. GRCh37 (hg19) VCF-style: chr14-23902436-T-C.
Other names: c.202A>G, p.Thr68Ala (NM_001407004.1); short protein forms T68A.
Identifiers: ClinVar variation 2773974 (VCV002773974.2), dbSNP rs2502320501, ClinGen allele CA389053537.